The following is an entry in ClinVar:

ClinVar aggregate classification (germline): Likely benign (0 of 4 stars; one submission).

Conditions:
NRCAM-related disorder.

Allele frequency attached by ClinVar (database versions not stated): gnomAD exomes 0.00003; gnomAD 0.00006; TOPMed 0.00008; ExAC 0.00018.
gnomAD v4.1: 51 of 1,614,168 alleles (0.0032%); highest among the groups gnomAD compares: East Asian, 0.11%; no homozygotes.

Submission:

PreventionGenetics, part of Exact Sciences
Classification: Likely benign for NRCAM-related condition. Last evaluated: 2022-10-12. Review status: no assertion criteria provided. Collection method: clinical testing. Allele origin: germline.
Comment: This variant is classified as likely benign based on ACMG/AMP sequence variant interpretation guidelines (Richards et al. 2015 PMID: 25741868, with internal and published modifications).

NM_001037132.4(NRCAM):c.2572A>G (p.Asn858Asp)

Gene: NRCAM (neuronal cell adhesion molecule; minus strand). Cytogenetic location: 7q31.1.
Variant type: single nucleotide variant.
Coding change: c.2572A>G on transcript NM_001037132.4 (MANE Select); coding-DNA position 2572, A replaced by G.
Protein change: p.Asn858Asp; replaces asparagine 858 with aspartic acid.
Molecular consequence: missense variant. On other transcripts: non-coding transcript variant (5).
Genome position (GRCh38, 1-based): chr7:108,181,896, T>C on the plus strand (A>G on the coding strand, the complement: NRCAM is on the minus strand). VCF-style: chr7-108181896-T-C. GRCh37 (hg19) VCF-style: chr7-107822340-T-C.
Other names: c.2572A>G, p.Asn858Asp (NM_001193582.2, NM_001371123.1, NM_001371128.1 and 10 more transcripts); c.2515A>G, p.Asn839Asp (NM_001193583.2, NM_001193584.2, NM_001371119.1 and 22 more transcripts); c.2227A>G, p.Asn743Asp (NM_001371125.1, NM_001371142.1, NM_001371143.1 and 2 more transcripts); c.2569A>G, p.Asn857Asp (NM_001371127.1); c.2524A>G, p.Asn842Asp (NM_001371130.1, NM_001371133.1, NM_001371136.1 and 8 more transcripts); c.2521A>G, p.Asn841Asp (NM_001371134.1); c.1615A>G, p.Asn539Asp (NM_001371137.1); c.2254A>G, p.Asn752Asp (NM_001371148.1, NM_001371170.1, NM_001371179.1 and 1 more transcripts); and 3 more; short protein forms N539D, N743D, N752D, N823D, N839D, N841D, N842D, N848D.
Identifiers: ClinVar variation 3032635 (VCV003032635.2), dbSNP rs758227136, ClinGen allele CA4438554.